The following is an entry in ClinVar:

NM_006766.5(KAT6A):c.3308A>C (p.Lys1103Thr)

Gene: KAT6A (lysine acetyltransferase 6A; minus strand). Cytogenetic location: 8p11.21.
Variant type: single nucleotide variant.
Coding change: c.3308A>C on transcript NM_006766.5 (MANE Select); coding-DNA position 3308, A replaced by C.
Protein change: p.Lys1103Thr; replaces lysine 1103 with threonine.
Molecular consequence: missense variant.
Genome position (GRCh38, 1-based): chr8:41,937,300, T>G on the plus strand (A>C on the coding strand, the complement: KAT6A is on the minus strand). VCF-style: chr8-41937300-T-G. GRCh37 (hg19) VCF-style: chr8-41794818-T-G.
Other names: short protein forms K1103T.
Identifiers: ClinVar variation 4747347 (VCV004747347.1).

ClinVar aggregate classification (germline): Uncertain significance (1 of 4 stars; one submission).

Submission:

Labcorp Genetics (formerly Invitae), Labcorp
Classification: Uncertain significance. Last evaluated: 2025-12-29. Review status: criteria provided, single submitter. Criteria: Invitae Variant Classification Sherloc (09022015). Collection method: clinical testing. Allele origin: germline.
Comment: This sequence change replaces lysine, which is basic and polar, with threonine, which is neutral and polar, at codon 1103 of the KAT6A protein (p.Lys1103Thr). This variant is not present in population databases (gnomAD no frequency). This variant has not been reported in the literature in individuals affected with KAT6A-related conditions. Invitae Evidence Modeling of protein sequence and biophysical properties (such as structural, functional, and spatial information, amino acid conservation, physicochemical variation, residue mobility, and thermodynamic stability) indicates that this missense variant is not expected to disrupt KAT6A protein function with a negative predictive value of 95%. In summary, the available evidence is currently insufficient to determine the role of this variant in disease. Therefore, it has been classified as a Variant of Uncertain Significance.